The following is an entry in ClinVar:

NM_000179.3(MSH6):c.625G>C (p.Glu209Gln)

Gene: MSH6 (mutS homolog 6; plus strand). Cytogenetic location: 2p16.3.
Variant type: single nucleotide variant.
Coding change: c.625G>C on transcript NM_000179.3 (MANE Select); coding-DNA position 625, G replaced by C.
Protein change: p.Glu209Gln; replaces glutamic acid 209 with glutamine.
Molecular consequence: missense variant. On other transcripts: 5 prime UTR variant (1), intron variant (2).
Genome position (GRCh38, 1-based): chr2:47,796,061, G>C. VCF-style: chr2-47796061-G-C. GRCh37 (hg19) VCF-style: chr2-48023200-G-C.
Other names: c.-278G>C (NM_001281494.2); c.-279-2550G>C (NM_001281493.2); c.238-2550G>C (NM_001281492.2); short protein forms E209Q.
Identifiers: ClinVar variation 847675 (VCV000847675.10), dbSNP rs747477669, ClinGen allele CA346738913.

ClinVar aggregate classification (germline): Uncertain significance (1 of 4 stars; one submission).

Conditions:
Hereditary nonpolyposis colorectal neoplasms. Identifiers: MedGen C0009405, MeSH D003123.

Submission:

Labcorp Genetics (formerly Invitae), Labcorp
Classification: Uncertain significance for Hereditary nonpolyposis colorectal neoplasms. Last evaluated: 2019-12-04. Review status: criteria provided, single submitter. Criteria: Invitae Variant Classification Sherloc (09022015). Collection method: clinical testing. Allele origin: germline.
Comment: In summary, the available evidence is currently insufficient to determine the role of this variant in disease. Therefore, it has been classified as a Variant of Uncertain Significance. Algorithms developed to predict the effect of missense changes on protein structure and function are either unavailable or do not agree on the potential impact of this missense change (SIFT: "Tolerated"; PolyPhen-2: "Probably Damaging"; Align-GVGD: "Class C0"). This variant has not been reported in the literature in individuals with MSH6-related conditions. This variant is not present in population databases (ExAC no frequency). This sequence change replaces glutamic acid with glutamine at codon 209 of the MSH6 protein (p.Glu209Gln). The glutamic acid residue is moderately conserved and there is a small physicochemical difference between glutamic acid and glutamine.